The following is an entry in ClinVar:

NM_000528.4(MAN2B1):c.1420-2A>G

Gene: MAN2B1 (mannosidase alpha class 2B member 1; minus strand). Cytogenetic location: 19p13.13.
Variant type: single nucleotide variant.
Coding change: c.1420-2A>G on transcript NM_000528.4 (MANE Select); the canonical splice acceptor site of the intron before coding-DNA position 1420, A replaced by G.
Molecular consequence: splice acceptor variant.
Genome position (GRCh38, 1-based): chr19:12,657,058, T>C on the plus strand (A>G on the coding strand, the complement: MAN2B1 is on the minus strand). VCF-style: chr19-12657058-T-C. GRCh37 (hg19) VCF-style: chr19-12767872-T-C.
Other names: c.1417-2A>G (NM_001173498.2).
Identifiers: ClinVar variation 1347004 (VCV001347004.8), dbSNP rs2145254657, ClinGen allele CA404246549.

ClinVar aggregate classification (germline): Likely pathogenic (1 of 4 stars; one submission).

Conditions:
Deficiency of alpha-mannosidase (MANSA). Also called: LYSOSOMAL ALPHA-D-MANNOSIDASE DEFICIENCY; Alpha-Mannosidosis; Mannosidosis, alpha-, types I and II. Identifiers: Orphanet 61, MedGen C0024748, MONDO:0009561, OMIM 248500.

Submission:

Labcorp Genetics (formerly Invitae), Labcorp
Classification: Likely pathogenic for Deficiency of alpha-mannosidase. Last evaluated: 2025-09-02. Review status: criteria provided, single submitter. Criteria: Invitae Variant Classification Sherloc (09022015). Collection method: clinical testing. Allele origin: germline.
Comment: This sequence change affects an acceptor splice site in intron 11 of the MAN2B1 gene. It is expected to disrupt RNA splicing. Variants that disrupt the donor or acceptor splice site typically lead to a loss of protein function (PMID: 16199547), and loss-of-function variants in MAN2B1 are known to be pathogenic (PMID: 9915946, 22161967). This variant is not present in population databases (gnomAD no frequency). This variant has not been reported in the literature in individuals affected with MAN2B1-related conditions. ClinVar contains an entry for this variant (Variation ID: 1347004). Algorithms developed to predict the effect of sequence changes on RNA splicing suggest that this variant may disrupt the consensus splice site. In summary, the currently available evidence indicates that the variant is pathogenic, but additional data are needed to prove that conclusively. Therefore, this variant has been classified as Likely Pathogenic.

Literature cited by the submitters: PubMed 16199547; PubMed 9915946; PubMed 22161967.